The following is an entry in ClinVar:

NM_052845.4(MMAB):c.197-1G>A

Gene: MMAB (metabolism of cobalamin associated B; minus strand). Cytogenetic location: 12q24.11.
Variant type: single nucleotide variant.
Coding change: c.197-1G>A on transcript NM_052845.4 (MANE Select); the canonical splice acceptor site of the intron before coding-DNA position 197, G replaced by A.
Molecular consequence: splice acceptor variant.
Genome position (GRCh38, 1-based): chr12:109,568,864, C>T on the plus strand (G>A on the coding strand, the complement: MMAB is on the minus strand). VCF-style: chr12-109568864-C-T. GRCh37 (hg19) VCF-style: chr12-110006669-C-T.
Identifiers: ClinVar variation 1454464 (VCV001454464.6), dbSNP rs763935916, ClinGen allele CA386639885.
Genomic context (GRCh38, chr12:109,568,864, plus strand): 5'-CGGCTTCAAACACTTGGTCATCTTTGGGTCTCCTTTCTCCTGTGAAGGTACTAGAAAACC[C>T]TGTGGAAAAAAATGTTTAGCCACCCAAATTAAGATTCTGTTTTCCTGATATGCTGTTTTT-3'

ClinVar aggregate classification (germline): Pathogenic (1 of 4 stars; one submission).

Conditions:
Methylmalonic aciduria, cblB type (MACB). Also called: Methylmalonic acidemia cblB type; Vitamin B12-responsive methylmalonic acidemia type cblB; METHYLMALONIC ACIDURIA, VITAMIN B12-RESPONSIVE, DUE TO DEFECT IN SYNTHESIS OF ADENOSYLCOBALAMIN, cblB TYPE. Identifiers: Orphanet 28, Orphanet 79311, MedGen C1855102, MONDO:0009614, OMIM 251110.

Submission:

Labcorp Genetics (formerly Invitae), Labcorp
Classification: Pathogenic for Methylmalonic aciduria, cblB type. Last evaluated: 2021-10-08. Review status: criteria provided, single submitter. Criteria: Invitae Variant Classification Sherloc (09022015). Collection method: clinical testing. Allele origin: germline.
Comment: For these reasons, this variant has been classified as Pathogenic. Algorithms developed to predict the effect of sequence changes on RNA splicing suggest that this variant may disrupt the consensus splice site. Disruption of this splice site has been observed in individuals with methylmalonic aciduria cobalamin B type (PMID: 12471062, 30022420). This variant is not present in population databases (ExAC no frequency). This sequence change affects an acceptor splice site in intron 2 of the MMAB gene. It is expected to disrupt RNA splicing. Variants that disrupt the donor or acceptor splice site typically lead to a loss of protein function (PMID: 16199547), and loss-of-function variants in MMAB are known to be pathogenic (PMID: 15781192, 16410054).

Literature cited by the submitters: PubMed 12471062; PubMed 30022420; PubMed 16199547; PubMed 15781192; PubMed 16410054.